The following is an entry in ClinVar:

ClinVar aggregate classification (germline): Uncertain significance (1 of 4 stars; one submission).

Submission:

Labcorp Genetics (formerly Invitae), Labcorp
Classification: Uncertain significance. Last evaluated: 2022-10-14. Review status: criteria provided, single submitter. Criteria: Invitae Variant Classification Sherloc (09022015). Collection method: clinical testing. Allele origin: germline.
Comment: In summary, the available evidence is currently insufficient to determine the role of this variant in disease. Therefore, it has been classified as a Variant of Uncertain Significance. Algorithms developed to predict the effect of missense changes on protein structure and function output the following: SIFT: "Tolerated"; PolyPhen-2: "Benign"; Align-GVGD: "Class C0". The valine amino acid residue is found in multiple mammalian species, which suggests that this missense change does not adversely affect protein function. This variant has not been reported in the literature in individuals affected with AP3D1-related conditions. This variant is not present in population databases (gnomAD no frequency). This sequence change replaces isoleucine, which is neutral and non-polar, with valine, which is neutral and non-polar, at codon 421 of the AP3D1 protein (p.Ile421Val).

NM_001261826.3(AP3D1):c.1261A>G (p.Ile421Val)

Gene: AP3D1 (adaptor related protein complex 3 subunit delta 1; minus strand). Cytogenetic location: 19p13.3.
Variant type: single nucleotide variant.
Coding change: c.1261A>G on transcript NM_001261826.3 (MANE Select); coding-DNA position 1261, A replaced by G.
Protein change: p.Ile421Val; replaces isoleucine 421 with valine.
Molecular consequence: missense variant.
Genome position (GRCh38, 1-based): chr19:2,121,082, T>C on the plus strand (A>G on the coding strand, the complement: AP3D1 is on the minus strand). VCF-style: chr19-2121082-T-C. GRCh37 (hg19) VCF-style: chr19-2121081-T-C.
Other names: c.1261A>G, p.Ile421Val (NM_001374799.1, NM_003938.8); short protein forms I421V.
Identifiers: ClinVar variation 1721623 (VCV001721623.5), dbSNP rs2512172736, ClinGen allele CA403223617.